The following is an entry in ClinVar:

NM_018474.6(KIZ):c.1801G>A (p.Gly601Ser)

Gene: KIZ (kizuna centrosomal protein; plus strand). Cytogenetic location: 20p11.23.
Variant type: single nucleotide variant.
Coding change: c.1801G>A on transcript NM_018474.6 (MANE Select); coding-DNA position 1801, G replaced by A.
Protein change: p.Gly601Ser; replaces glycine 601 with serine.
Molecular consequence: missense variant.
Genome position (GRCh38, 1-based): chr20:21,232,751, G>A. VCF-style: chr20-21232751-G-A. GRCh37 (hg19) VCF-style: chr20-21213389-G-A.
Other names: c.1492G>A, p.Gly498Ser (NM_001163022.3); c.1402G>A, p.Gly468Ser (NM_001163023.3); c.1654G>A, p.Gly552Ser (NM_001276389.2); c.1747G>A, p.Gly583Ser (NM_001352434.2); c.1438G>A, p.Gly480Ser (NM_001352435.2); c.1459G>A, p.Gly487Ser (NM_001352436.2); c.1801G>A (NM_018474.4); short protein forms G468S, G583S, G498S, G552S, G601S, G480S, G487S.
Identifiers: ClinVar variation 1923019 (VCV001923019.6), dbSNP rs755436546, ClinGen allele CA9784989.
Genomic context (GRCh38, chr20:21,232,751, plus strand): 5'-CATGACAGCTAACCCTCACTCTCCATGTTTACGCTTATCACAGGTTTGAATATTGGCAGC[G>A]GTGCATTCGAGACAAAGACAGCTAACAAAATTGCTTCGGAAGCTAGTTTTTCATCTAGTG-3'
Protein context (NP_060944.3, residues 591-611): SHLSGLNIGS[Gly601Ser]AFETKTANKI

ClinVar aggregate classification (germline): Conflicting classifications of pathogenicity. Review status: criteria provided, conflicting classifications (1 of 4 stars). 4 submissions from 4 submitters: Uncertain significance (2); Likely benign (2). Last evaluated 2025-04-25.

Conditions:
Retinal dystrophy. Also called: Inherited retinal dystrophy. Identifiers: Orphanet 71862, MedGen C0854723, MeSH D058499, MONDO:0019118, HP:0000556.

Allele frequency attached by ClinVar (database versions not stated): gnomAD exomes 0.00002; gnomAD 0.00003; TOPMed 0.00004; ExAC 0.00009.
gnomAD v4.1: 27 of 1,580,502 alleles (0.0017%); highest among the groups gnomAD compares: East Asian, 0.011%; no homozygotes.

Submissions (4):

Ambry Genetics
Classification: Likely benign. Last evaluated: 2025-04-25. Review status: criteria provided, single submitter. Criteria: Ambry Variant Classification Scheme 2023. Collection method: clinical testing. Allele origin: germline.

Labcorp Genetics (formerly Invitae), Labcorp
Classification: Uncertain significance. Last evaluated: 2025-01-13. Review status: criteria provided, single submitter. Criteria: Invitae Variant Classification Sherloc (09022015). Collection method: clinical testing. Allele origin: germline.
Comment: This sequence change replaces glycine, which is neutral and non-polar, with serine, which is neutral and polar, at codon 601 of the KIZ protein (p.Gly601Ser). The frequency data for this variant in the population databases is considered unreliable, as metrics indicate poor data quality at this position in the gnomAD database. This variant has not been reported in the literature in individuals affected with KIZ-related conditions. ClinVar contains an entry for this variant (Variation ID: 1923019). Experimental studies and prediction algorithms are not available or were not evaluated, and the functional significance of this variant is currently unknown. In summary, the available evidence is currently insufficient to determine the role of this variant in disease. Therefore, it has been classified as a Variant of Uncertain Significance.

Dept Of Ophthalmology, Nagoya University
Classification: Uncertain significance for Retinal dystrophy. Last evaluated: 2023-10-01. Review status: criteria provided, single submitter. Criteria: Submitter's publication. Collection method: research. Allele origin: germline. Affected: yes.

Blueprint Genetics
Classification: Likely benign. Last evaluated: 2022-10-10. Review status: criteria provided, single submitter. Criteria: ACMG Guidelines, 2015. Collection method: clinical testing. Allele origin: germline.